The following is an entry in ClinVar:

ClinVar aggregate classification (germline): Benign/Likely benign. Review status: criteria provided, multiple submitters, no conflicts (2 of 4 stars). 3 submissions from 3 submitters: Benign (1); Likely benign (2). Last evaluated 2024-10-10.

Conditions:
Hereditary cancer-predisposing syndrome. Also called: Neoplastic Syndromes, Hereditary; Hereditary neoplastic syndrome; Hereditary Cancer Syndrome; Tumor predisposition. Identifiers: Orphanet 140162, MedGen C0027672, MeSH D009386, MONDO:0015356.
Hereditary diffuse gastric adenocarcinoma (HDGC). Also called: DIFFUSE GASTRIC AND LOBULAR BREAST CANCER SYNDROME. Identifiers: Orphanet 26106, MedGen C1708349, MONDO:0007648, OMIM 137215.

Submissions (3):

Myriad Genetics, Inc.
Classification: Benign for Hereditary diffuse gastric adenocarcinoma. Last evaluated: 2024-10-10. Review status: criteria provided, single submitter. Criteria: Myriad Autosomal Dominant, Autosomal Recessive and X-Linked Classification Criteria (2023). Collection method: clinical testing. Allele origin: unknown.
Comment: This variant is considered benign. This variant is a silent/synonymous amino acid change and it is not expected to impact splicing.

Labcorp Genetics (formerly Invitae), Labcorp
Classification: Likely benign. Last evaluated: 2023-12-26. Review status: criteria provided, single submitter. Criteria: Invitae Variant Classification Sherloc (09022015). Collection method: clinical testing. Allele origin: germline.

Ambry Genetics
Classification: Likely benign for Hereditary cancer-predisposing syndrome. Last evaluated: 2022-11-24. Review status: criteria provided, single submitter. Criteria: Ambry Variant Classification Scheme 2023. Collection method: clinical testing. Allele origin: germline.

NM_001903.5(CTNNA1):c.774A>T (p.Ala258=)

Gene: CTNNA1 (catenin alpha 1; plus strand). Cytogenetic location: 5q31.2.
Variant type: single nucleotide variant.
Coding change: c.774A>T on transcript NM_001903.5 (MANE Select); coding-DNA position 774, A replaced by T.
Protein change: p.Ala258=; no amino-acid change (alanine 258 retained).
Molecular consequence: synonymous variant.
Genome position (GRCh38, 1-based): chr5:138,824,715, A>T. VCF-style: chr5-138824715-A-T. GRCh37 (hg19) VCF-style: chr5-138160404-A-T.
Other names: c.774A>T (NM_001903.2); c.774A>T, p.Ala258= (NM_001290307.3, NM_001323982.2, NM_001323983.1 and 3 more transcripts); c.465A>T, p.Ala155= (NM_001290309.3); c.405A>T, p.Ala135= (NM_001290310.3).
Identifiers: ClinVar variation 1584012 (VCV001584012.11), dbSNP rs2149776369, ClinGen allele CA446595002.